The following is an entry in ClinVar:

NM_001369.3(DNAH5):c.88C>T (p.Arg30Trp)

Gene: DNAH5 (dynein axonemal heavy chain 5; minus strand). Cytogenetic location: 5p15.2.
Variant type: single nucleotide variant.
Coding change: c.88C>T on transcript NM_001369.3 (MANE Select); coding-DNA position 88, C replaced by T.
Protein change: p.Arg30Trp; replaces arginine 30 with tryptophan.
Molecular consequence: missense variant.
Genome position (GRCh38, 1-based): chr5:13,931,214, G>A on the plus strand (C>T on the coding strand, the complement: DNAH5 is on the minus strand). VCF-style: chr5-13931214-G-A. GRCh37 (hg19) VCF-style: chr5-13931323-G-A.
Other names: p.Arg30Trp; short protein forms R30W.
Identifiers: ClinVar variation 220045 (VCV000220045.51), dbSNP rs114220185, ClinGen allele CA350348.

ClinVar aggregate classification (germline): Conflicting classifications of pathogenicity. Review status: criteria provided, conflicting classifications (1 of 4 stars). 10 submissions from 10 submitters: Uncertain significance (4); Likely benign (4). 2 of the submissions do not count toward it. Last evaluated 2026-02-03.

Conditions:
Primary ciliary dyskinesia. Also called: Ciliary dyskinesia. Identifiers: Orphanet 244, MedGen C0008780, MONDO:0016575, HP:0012265.
Primary ciliary dyskinesia 3. Identifiers: Orphanet 244, MedGen C1837618, MONDO:0012085, OMIM 608644.

Allele frequency attached by ClinVar (database versions not stated): gnomAD 0.00096; TOPMed 0.00121; 1000 Genomes Project 0.00140; ESP Exome Variant Server 0.00146; 1000 Genomes Project 30x 0.00172.
gnomAD v4.1: 542 of 1,614,086 alleles (0.034%); highest among the groups gnomAD compares: African/African-American, 0.38%; 4 homozygotes.

Submissions (11):

Labcorp Genetics (formerly Invitae), Labcorp
Classification: Likely benign for Primary ciliary dyskinesia. Last evaluated: 2026-02-03. Review status: criteria provided, single submitter. Criteria: Invitae Variant Classification Sherloc (09022015). Collection method: clinical testing. Allele origin: germline.

Blueprint Genetics
Classification: Uncertain significance. Last evaluated: 2024-10-08. Review status: criteria provided, single submitter. Criteria: ACMG Guidelines, 2015. Collection method: clinical testing. Allele origin: germline.

CeGaT Center for Human Genetics Tuebingen
Classification: Likely benign. Last evaluated: 2024-05-01. Review status: criteria provided, single submitter. Criteria: CeGaT Center For Human Genetics Tuebingen Variant Classification Criteria Version 2. Collection method: clinical testing. Allele origin: germline. Affected: yes. Observed: 1 variant allele.
Comment: DNAH5: BP4, BS2

GeneDx
Classification: Uncertain significance. Last evaluated: 2023-12-01. Review status: criteria provided, single submitter. Criteria: GeneDx Variant Classification Process June 2021. Collection method: clinical testing. Allele origin: germline. Affected: yes.
Comment: In silico analysis supports that this missense variant has a deleterious effect on protein structure/function; Has not been previously published as pathogenic or benign to our knowledge

Mayo Clinic Laboratories, Mayo Clinic
Classification: Uncertain significance. Last evaluated: 2023-11-09. Review status: criteria provided, single submitter. Criteria: ACMG Guidelines, 2015. Collection method: clinical testing. Allele origin: germline. Observed: 1 variant allele.
Comment: BP1

Ambry Genetics
Classification: Likely benign for Primary ciliary dyskinesia. Last evaluated: 2020-03-23. Review status: criteria provided, single submitter. Criteria: Ambry Variant Classification Scheme 2023. Collection method: clinical testing. Allele origin: germline.

Illumina Laboratory Services, Illumina
Classification: Uncertain significance for Primary ciliary dyskinesia 3. Last evaluated: 2018-01-12. Review status: criteria provided, single submitter. Criteria: ICSL Variant Classification Criteria 13 December 2019. Collection method: clinical testing. Allele origin: germline.

PreventionGenetics, part of Exact Sciences
Classification: Likely benign. Review status: criteria provided, single submitter. Criteria: ACMG Guidelines, 2015. Collection method: clinical testing. Allele origin: germline.

Natera, Inc.
Classification: Likely benign for Primary ciliary dyskinesia. Last evaluated: 2019-11-11. Review status: no assertion criteria provided. Collection method: clinical testing. Allele origin: germline. Not counted in ClinVar's aggregate classification.

Counsyl
Classification: Uncertain significance for Primary ciliary dyskinesia 3. Last evaluated: 2017-05-17. Review status: no assertion criteria provided. Collection method: clinical testing. Allele origin: unknown. Not counted in ClinVar's aggregate classification.

Dr. Peter K. Rogan Lab, Western University
No classification provided (evidence only). Condition: Colon adenocarcinoma. Review status: no classification provided. Collection method: in vitro. Allele origin: not applicable. Functional consequence: retained intron. Not counted in ClinVar's aggregate classification.